The following is an entry in ClinVar:

ClinVar aggregate classification (germline): Uncertain significance (1 of 4 stars; one submission).

Conditions:
Inflammatory bowel disease 28. Also called: Inflammatory bowel disease 28, early onset, autosomal recessive. Identifiers: Orphanet 238569, MedGen C2751053, MONDO:0013153, OMIM 613148.

Submission:

Labcorp Genetics (formerly Invitae), Labcorp
Classification: Uncertain significance for Inflammatory bowel disease 28. Last evaluated: 2025-12-08. Review status: criteria provided, single submitter. Criteria: Invitae Variant Classification Sherloc (09022015). Collection method: clinical testing. Allele origin: germline.
Comment: This sequence change replaces glutamine, which is neutral and polar, with arginine, which is basic and polar, at codon 407 of the IL10RA protein (p.Gln407Arg). This variant is not present in population databases (gnomAD no frequency). This variant has not been reported in the literature in individuals affected with IL10RA-related conditions. Invitae Evidence Modeling of protein sequence and biophysical properties (such as structural, functional, and spatial information, amino acid conservation, physicochemical variation, residue mobility, and thermodynamic stability) indicates that this missense variant is not expected to disrupt IL10RA protein function with a negative predictive value of 80%. In summary, the available evidence is currently insufficient to determine the role of this variant in disease. Therefore, it has been classified as a Variant of Uncertain Significance.

NM_001558.4(IL10RA):c.1220A>G (p.Gln407Arg)

Gene: IL10RA (interleukin 10 receptor subunit alpha; plus strand). Cytogenetic location: 11q23.3.
Variant type: single nucleotide variant.
Coding change: c.1220A>G on transcript NM_001558.4 (MANE Select); coding-DNA position 1220, A replaced by G.
Protein change: p.Gln407Arg; replaces glutamine 407 with arginine.
Molecular consequence: missense variant. On other transcripts: non-coding transcript variant (1).
Genome position (GRCh38, 1-based): chr11:117,999,124, A>G. VCF-style: chr11-117999124-A-G. GRCh37 (hg19) VCF-style: chr11-117869839-A-G.
Other names: c.773A>G, p.Gln258Arg (NM_001440423.1); short protein forms Q407R, Q258R.
Identifiers: ClinVar variation 4696523 (VCV004696523.1).